The following is an entry in ClinVar:

NM_001243133.2(NLRP3):c.2664G>T (p.Gly888=)

Gene: NLRP3 (NLR family pyrin domain containing 3; plus strand). Cytogenetic location: 1q44.
Variant type: single nucleotide variant.
Coding change: c.2664G>T on transcript NM_001243133.2 (MANE Select); coding-DNA position 2664, G replaced by T.
Protein change: p.Gly888=; no amino-acid change (glycine 888 retained).
Molecular consequence: synonymous variant. On other transcripts: missense variant (2).
Genome position (GRCh38, 1-based): chr1:247,443,972, G>T. VCF-style: chr1-247443972-G-T. GRCh37 (hg19) VCF-style: chr1-247607274-G-T.
Other names: c.2664G>T, p.Gly888= (NM_001079821.3); c.2493G>T, p.Trp831Cys (NM_001127461.3); c.2493G>T, p.Gly831= (NM_001127462.3); c.2670G>T, p.Gly890= (NM_004895.5); c.2322G>T, p.Trp774Cys (NM_183395.3); short protein forms W831C, W774C.
Identifiers: ClinVar variation 2056933 (VCV002056933.4), dbSNP rs1296829942, ClinGen allele CA345564707.

ClinVar aggregate classification (germline): Uncertain significance (1 of 4 stars; one submission).

Conditions:
Cryopyrin associated periodic syndrome (CAPS). Identifiers: Orphanet 208650, MedGen C2316212, MONDO:0016168.

Submission:

Labcorp Genetics (formerly Invitae), Labcorp
Classification: Uncertain significance for Cryopyrin associated periodic syndrome. Last evaluated: 2021-12-24. Review status: criteria provided, single submitter. Criteria: Invitae Variant Classification Sherloc (09022015). Collection method: clinical testing. Allele origin: germline.
Comment: Algorithms developed to predict the effect of sequence changes on RNA splicing suggest that this variant may disrupt the consensus splice site. This variant has not been reported in the literature in individuals affected with NLRP3-related conditions. This variant is not present in population databases (gnomAD no frequency). This sequence change affects codon 890 of the NLRP3 mRNA. It is a 'silent' change, meaning that it does not change the encoded amino acid sequence of the NLRP3 protein. It affects a nucleotide within the consensus splice site. In summary, the available evidence is currently insufficient to determine the role of this variant in disease. Therefore, it has been classified as a Variant of Uncertain Significance.